The following is an entry in ClinVar:

ClinVar aggregate classification (germline): Benign/Likely benign. Review status: criteria provided, multiple submitters, no conflicts (2 of 4 stars). 7 submissions from 6 submitters: Benign (2); Likely benign (4). 1 of the submissions does not count toward it. Last evaluated 2025-12-01.

Conditions:
SYNE1-related disorder. Also called: SYNE1-related disorders; SYNE1-related disease; SYNE1-related condition.
Autosomal recessive ataxia, Beauce type. Also called: SYNE1 Deficiency; SYNE1-Related Autosomal Recessive Cerebellar Ataxia; Spinocerebellar ataxia, autosomal recessive 8; ATAXIA, RECESSIVE, OF BEAUCE. Identifiers: Orphanet 88644, MedGen C1853116, MONDO:0012549, OMIM 610743.
Emery-Dreifuss muscular dystrophy 4, autosomal dominant (EDMD4). Also called: EMERY-DREIFUSS MUSCULAR DYSTROPHY 4 WITH VARIABLE FEATURES. Identifiers: Orphanet 261, MedGen C2751807, MONDO:0013071, OMIM 612998.

Allele frequency attached by ClinVar (database versions not stated): gnomAD 0.00019 and 0.00027; gnomAD exomes 0.00021 and 0.00063; TOPMed 0.00034; ExAC 0.00070; 1000 Genomes Project 0.00120; 1000 Genomes Project 30x 0.00125.
gnomAD v4.1: 336 of 1,613,694 alleles (0.021%); highest among the groups gnomAD compares: East Asian, 0.73%; no homozygotes.

Submissions (7):

Labcorp Genetics (formerly Invitae), Labcorp
Classification: Benign for Emery-Dreifuss muscular dystrophy 4, autosomal dominant; Autosomal recessive ataxia, Beauce type. Last evaluated: 2025-12-01. Review status: criteria provided, single submitter. Criteria: Invitae Variant Classification Sherloc (09022015). Collection method: clinical testing. Allele origin: germline.

GeneDx
Classification: Likely benign. Last evaluated: 2021-12-13. Review status: criteria provided, single submitter. Criteria: GeneDx Variant Classification Process June 2021. Collection method: clinical testing. Allele origin: germline. Affected: yes.

Athena Diagnostics
Classification: Likely benign. Last evaluated: 2018-09-17. Review status: criteria provided, single submitter. Criteria: Athena Diagnostics Criteria. Collection method: clinical testing. Allele origin: germline.

Illumina Laboratory Services, Illumina
Classification: Benign for Emery-Dreifuss muscular dystrophy 4, autosomal dominant. Last evaluated: 2018-01-13. Review status: criteria provided, single submitter. Criteria: ICSL Variant Classification Criteria 13 December 2019. Collection method: clinical testing. Allele origin: germline.
Comment: This variant was observed in the ICSL laboratory as part of a predisposition screen in an ostensibly healthy population. It had not been previously curated by ICSL or reported in the Human Gene Mutation Database (HGMD: prior to June 1st, 2018), and was therefore a candidate for classification through an automated scoring system. Utilizing variant allele frequency, disease prevalence and penetrance estimates, and inheritance mode, an automated score was calculated to assess if this variant is too frequent to cause the disease. Based on the score and internal cut-off values, a variant classified as benign is not then subjected to further curation. The score for this variant resulted in a classification of benign for this disease.

Illumina Laboratory Services, Illumina
Classification: Likely benign for Autosomal recessive ataxia, Beauce type. Last evaluated: 2018-01-13. Review status: criteria provided, single submitter. Criteria: ICSL Variant Classification Criteria 13 December 2019. Collection method: clinical testing. Allele origin: germline.
Comment: This variant was observed in the ICSL laboratory as part of a predisposition screen in an ostensibly healthy population. It had not been previously curated by ICSL or reported in the Human Gene Mutation Database (HGMD: prior to June 1st, 2018), and was therefore a candidate for classification through an automated scoring system. Utilizing variant allele frequency, disease prevalence and penetrance estimates, and inheritance mode, an automated score was calculated to assess if this variant is too frequent to cause the disease. Based on the score and internal cut-off values, a variant classified as likely benign is not then subjected to further curation. The score for this variant resulted in a classification of likely benign for this disease.

Eurofins Ntd Llc (ga)
Classification: Likely benign. Last evaluated: 2017-01-19. Review status: criteria provided, single submitter. Criteria: EGL Classification Definitions 2015. Collection method: clinical testing. Allele origin: germline. Observed: 1 variant allele, 1 heterozygote.

PreventionGenetics, part of Exact Sciences
Classification: Benign for SYNE1-related condition. Last evaluated: 2019-08-08. Review status: no assertion criteria provided. Collection method: clinical testing. Allele origin: germline. Not counted in ClinVar's aggregate classification.
Comment: This variant is classified as benign based on ACMG/AMP sequence variant interpretation guidelines (Richards et al. 2015 PMID: 25741868, with internal and published modifications).

NM_182961.4(SYNE1):c.18881A>T (p.Gln6294Leu)

Gene: SYNE1 (spectrin repeat containing nuclear envelope protein 1; minus strand). Cytogenetic location: 6q25.2.
Variant type: single nucleotide variant.
Coding change: c.18881A>T on transcript NM_182961.4 (MANE Select); coding-DNA position 18881, A replaced by T.
Protein change: p.Gln6294Leu; replaces glutamine 6294 with leucine.
Molecular consequence: missense variant.
Genome position (GRCh38, 1-based): chr6:152,262,123, T>A on the plus strand (A>T on the coding strand, the complement: SYNE1 is on the minus strand). VCF-style: chr6-152262123-T-A. GRCh37 (hg19) VCF-style: chr6-152583258-T-A.
Other names: c.18668A>T, p.Gln6223Leu (NM_033071.5); short protein forms Q6294L, Q6223L.
Identifiers: ClinVar variation 355845 (VCV000355845.24), dbSNP rs140090745, ClinGen allele CA4054822.
Genomic context (GRCh38, chr6:152,262,123, plus strand): 5'-TGTAGTAGTTTCTGCTTGGTACTAAATTCTTGATGTAGGCTTTCCCATTTCATTCTCATC[T>A]GGTCTTCAGCGGATGATTTCTCCCCTTCCATCCCCAACTCCTGGGATAACACATCAGGTT-3'
Protein context (NP_892006.3, residues 6284-6304): MEGEKSSAED[Gln6294Leu]MRMKWESLHQ